The following is an entry in ClinVar:

NM_004171.4(SLC1A2):c.1678T>C (p.Ser560Pro)

Gene: SLC1A2 (solute carrier family 1 member 2; minus strand). Cytogenetic location: 11p13.
Variant type: single nucleotide variant.
Coding change: c.1678T>C on transcript NM_004171.4 (MANE Select); coding-DNA position 1678, T replaced by C.
Protein change: p.Ser560Pro; replaces serine 560 with proline.
Molecular consequence: missense variant.
Genome position (GRCh38, 1-based): chr11:35,260,941, A>G on the plus strand (T>C on the coding strand, the complement: SLC1A2 is on the minus strand). VCF-style: chr11-35260941-A-G. GRCh37 (hg19) VCF-style: chr11-35282488-A-G.
Other names: c.1651T>C, p.Ser551Pro (NM_001195728.3, NM_001252652.2); short protein forms S551P, S560P.
Identifiers: ClinVar variation 2089684 (VCV002089684.4), dbSNP rs2497581709, ClinGen allele CA380124761.

ClinVar aggregate classification (germline): Uncertain significance (1 of 4 stars; one submission).

Submission:

Labcorp Genetics (formerly Invitae), Labcorp
Classification: Uncertain significance. Last evaluated: 2022-01-26. Review status: criteria provided, single submitter. Criteria: Invitae Variant Classification Sherloc (09022015). Collection method: clinical testing. Allele origin: germline.
Comment: This sequence change replaces serine, which is neutral and polar, with proline, which is neutral and non-polar, at codon 560 of the SLC1A2 protein (p.Ser560Pro). This variant is not present in population databases (gnomAD no frequency). This variant has not been reported in the literature in individuals affected with SLC1A2-related conditions. Algorithms developed to predict the effect of missense changes on protein structure and function (SIFT, PolyPhen-2, Align-GVGD) all suggest that this variant is likely to be tolerated. In summary, the available evidence is currently insufficient to determine the role of this variant in disease. Therefore, it has been classified as a Variant of Uncertain Significance.